The following is an entry in ClinVar:

ClinVar aggregate classification (germline): Uncertain significance. Review status: criteria provided, multiple submitters, no conflicts (2 of 4 stars). 11 submissions from 11 submitters: Uncertain significance (8). 3 of the submissions do not count toward it. Last evaluated 2026-06-23.

Conditions:
Sandhoff disease. Also called: GM2-GANGLIOSIDOSIS, TYPE II; HEXOSAMINIDASES A AND B DEFICIENCY; Beta-hexosaminidase-beta-subunit deficiency; GM2 gangliosidosis, type 2; Total hexosaminidase deficiency; Sandhoff-Jatzkewitz-Pilz disease. Identifiers: Orphanet 796, MedGen C0036161, MONDO:0010006, OMIM 268800.

Allele frequency attached by ClinVar (database versions not stated): ExAC 0.00031; gnomAD exomes 0.00036 and 0.00091; 1000 Genomes Project 0.00040; TOPMed 0.00046; gnomAD 0.00049 and 0.00051; 1000 Genomes Project 30x 0.00062; ESP Exome Variant Server 0.00069.
gnomAD v4.1: 1,377 of 1,612,542 alleles (0.085%); highest among the groups gnomAD compares: Non-Finnish European, 0.11%; 1 homozygote.

Submissions (11):

GeneDx
Classification: Uncertain significance. Last evaluated: 2026-06-23. Review status: criteria provided, single submitter. Criteria: GeneDx Variant Classification Process June 2021. Collection method: clinical testing. Allele origin: germline.
Comment: In silico analysis suggests that this missense variant does not alter protein structure/function; This variant is associated with the following publications: (PMID: 31974414)

Women's Health and Genetics/Laboratory Corporation of America, LabCorp
Classification: Uncertain significance. Last evaluated: 2024-11-29. Review status: criteria provided, single submitter. Criteria: LabCorp Variant Classification Summary - May 2015. Collection method: clinical testing. Allele origin: germline.
Comment: Variant summary: HEXB c.715G>A (p.Val239Ile) results in a conservative amino acid change located in the Glycoside hydrolase family 20, catalytic domain (IPR015883) of the encoded protein sequence. Four of five in-silico tools predict a damaging effect of the variant on protein function. The variant allele was found at a frequency of 0.00036 in 251376 control chromosomes. This frequency is not significantly higher than estimated for a pathogenic variant in HEXB causing Sandhoff Disease (0.00036 vs 0.0015), allowing no conclusion about variant significance. c.715G>A has been reported in the literature as a compound heterozygous genotype with HEXB c.668T>C (p.Leu223Pro) in at-least one fetus with Sandhoff Disease (positive diagnosis by amniotic fluid enzyme analysis) who also harbored a de-novo variant in HRAS (c.35G>T, p.Gly12Val) supporting a dual diagnosis of Costello syndrome (example, Vora_2020, Lowther_2023). These data do not allow any conclusion about variant significance. To our knowledge, no experimental evidence demonstrating an impact on protein function has been reported. The following publications have been ascertained in the context of this evaluation (PMID: 37595579, 31974414). ClinVar contains an entry for this variant (Variation ID: 518368). Based on the evidence outlined above, the variant was classified as uncertain significance.

Blueprint Genetics
Classification: Uncertain significance. Last evaluated: 2024-09-30. Review status: criteria provided, single submitter. Criteria: ACMG Guidelines, 2015. Collection method: clinical testing. Allele origin: germline.

Mayo Clinic Laboratories, Mayo Clinic
Classification: Uncertain significance. Last evaluated: 2023-06-20. Review status: criteria provided, single submitter. Criteria: ACMG Guidelines, 2015. Collection method: clinical testing. Allele origin: germline. Observed: 1 variant allele.

Labcorp Genetics (formerly Invitae), Labcorp
Classification: Uncertain significance for Sandhoff disease. Last evaluated: 2022-09-26. Review status: criteria provided, single submitter. Criteria: Invitae Variant Classification Sherloc (09022015). Collection method: clinical testing. Allele origin: germline.
Comment: This sequence change replaces valine, which is neutral and non-polar, with isoleucine, which is neutral and non-polar, at codon 239 of the HEXB protein (p.Val239Ile). This variant is present in population databases (rs145056714, gnomAD 0.07%). This missense change has been observed in individual(s) with clinical features of HEXB-related conditions (PMID: 31974414). ClinVar contains an entry for this variant (Variation ID: 518368). Advanced modeling of protein sequence and biophysical properties (such as structural, functional, and spatial information, amino acid conservation, physicochemical variation, residue mobility, and thermodynamic stability) performed at Invitae indicates that this missense variant is expected to disrupt HEXB protein function. In summary, the available evidence is currently insufficient to determine the role of this variant in disease. Therefore, it has been classified as a Variant of Uncertain Significance.

Fulgent Genetics
Classification: Uncertain significance for Sandhoff disease. Last evaluated: 2018-10-31. Review status: criteria provided, single submitter. Criteria: ACMG Guidelines, 2015. Collection method: clinical testing. Allele origin: unknown.

Illumina Laboratory Services, Illumina
Classification: Uncertain significance for Sandhoff disease. Last evaluated: 2018-01-12. Review status: criteria provided, single submitter. Criteria: ICSL Variant Classification Criteria 13 December 2019. Collection method: clinical testing. Allele origin: germline.

Clinical Genetics DNA and cytogenetics Diagnostics Lab, Erasmus MC, Erasmus Medical Center
Classification: Uncertain significance for Sandhoff disease. Last evaluated: 2016-04-01. Review status: criteria provided, single submitter. Criteria: ACGS Guidelines, 2013. Collection method: clinical testing. Allele origin: germline. Affected: yes. Study: VKGL Data-share Consensus.

Natera, Inc.
Classification: Uncertain significance for Sandhoff disease. Last evaluated: 2020-09-16. Review status: no assertion criteria provided. Collection method: clinical testing. Allele origin: germline. Not counted in ClinVar's aggregate classification.

Diagnostic Laboratory, Department of Genetics, University Medical Center Groningen
Classification: Uncertain significance for Sandhoff disease. Review status: no assertion criteria provided. Collection method: clinical testing. Allele origin: germline. Affected: yes. Study: VKGL Data-share Consensus. Not counted in ClinVar's aggregate classification.

Laboratory of Diagnostic Genome Analysis, Leiden University Medical Center (LUMC)
Classification: Uncertain significance. Review status: no assertion criteria provided. Collection method: clinical testing. Allele origin: germline. Affected: yes. Study: VKGL Data-share Consensus. Not counted in ClinVar's aggregate classification.

Literature cited by the submitters: PubMed 31974414 (cited by 3 submitters); PubMed 37595579 (cited by Women's Health and Genetics/Laboratory Corporation of America, LabCorp).

NM_000521.4(HEXB):c.715G>A (p.Val239Ile)

Gene: HEXB (hexosaminidase subunit beta; plus strand). Cytogenetic location: 5q13.3.
Variant type: single nucleotide variant.
Coding change: c.715G>A on transcript NM_000521.4 (MANE Select); coding-DNA position 715, G replaced by A.
Protein change: p.Val239Ile; replaces valine 239 with isoleucine.
Molecular consequence: missense variant.
Genome position (GRCh38, 1-based): chr5:74,705,264, G>A. VCF-style: chr5-74705264-G-A. GRCh37 (hg19) VCF-style: chr5-74001089-G-A.
Other names: p.Val239Ile; c.40G>A, p.Val14Ile (NM_001292004.2); short protein forms V14I, V239I.
Identifiers: ClinVar variation 518368 (VCV000518368.18), dbSNP rs145056714, ClinGen allele CA3305918.